The following is an entry in ClinVar:

NM_003722.5(TP63):c.736A>G (p.Asn246Asp)

Gene: TP63 (tumor protein p63; plus strand). Cytogenetic location: 3q28.
Variant type: single nucleotide variant.
Coding change: c.736A>G on transcript NM_003722.5 (MANE Select); coding-DNA position 736, A replaced by G.
Protein change: p.Asn246Asp; replaces asparagine 246 with aspartic acid.
Molecular consequence: missense variant.
Genome position (GRCh38, 1-based): chr3:189,864,388, A>G. VCF-style: chr3-189864388-A-G. GRCh37 (hg19) VCF-style: chr3-189582177-A-G.
Other names: c.736A>G, p.Asn246Asp (NM_001114978.2, NM_001114979.2, NM_001329144.2 and 1 more transcripts); c.454A>G, p.Asn152Asp (NM_001114980.2, NM_001114981.2, NM_001114982.2 and 2 more transcripts); c.199A>G, p.Asn67Asp (NM_001329146.2, NM_001329150.2); c.730A>G, p.Asn244Asp (NM_001329964.2); short protein forms N246D, N67D, N152D, N244D.
Identifiers: ClinVar variation 2855280 (VCV002855280.2), dbSNP rs2474590676, ClinGen allele CA355753762.

ClinVar aggregate classification (germline): Uncertain significance (1 of 4 stars; one submission).

Conditions:
TP63-Related Spectrum Disorders.

Submission:

Labcorp Genetics (formerly Invitae), Labcorp
Classification: Uncertain significance. Last evaluated: 2023-05-08. Review status: criteria provided, single submitter. Criteria: Invitae Variant Classification Sherloc (09022015). Collection method: clinical testing. Allele origin: germline.
Comment: This sequence change replaces asparagine, which is neutral and polar, with aspartic acid, which is acidic and polar, at codon 246 of the TP63 protein (p.Asn246Asp). In summary, the available evidence is currently insufficient to determine the role of this variant in disease. Therefore, it has been classified as a Variant of Uncertain Significance. This variant disrupts the p.Asn246 amino acid residue in TP63. Other variant(s) that disrupt this residue have been determined to be pathogenic (Invitae). This suggests that this residue is clinically significant, and that variants that disrupt this residue are likely to be disease-causing. Advanced modeling of protein sequence and biophysical properties (such as structural, functional, and spatial information, amino acid conservation, physicochemical variation, residue mobility, and thermodynamic stability) performed at Invitae indicates that this missense variant is expected to disrupt TP63 protein function. This variant has not been reported in the literature in individuals affected with TP63-related conditions. This variant is not present in population databases (gnomAD no frequency).